The following is an entry in ClinVar:

NM_017617.5(NOTCH1):c.977dup (p.Trp327fs)

Gene: NOTCH1 (notch receptor 1; minus strand). Cytogenetic location: 9q34.3.
Variant type: Duplication.
Coding change: c.977dup on transcript NM_017617.5 (MANE Select); coding-DNA position 977, one base duplicated (G; older notation c.977dupG).
Protein change: p.Trp327fs; shifts the reading frame from tryptophan 327.
Molecular consequence: frameshift variant.
Genome position (GRCh38, 1-based): chr9:136,518,713, C duplicated on the plus strand (G on the coding strand, the reverse complement: NOTCH1 is on the minus strand); the first of 2 consecutive C bases (chr9:136,518,713-136,518,714); duplicating either gives the same sequence. VCF-style (leftmost placement, unchanged base first): chr9-136518712-G-GC. GRCh37 (hg19) VCF-style: chr9-139413164-G-GC.
Other names: p.Trp327Leufs*4; short protein forms W327fs.
Identifiers: ClinVar variation 2683665 (VCV002683665.1), dbSNP rs2540462269, ClinGen allele CA2697558195.

ClinVar aggregate classification (germline): Likely pathogenic (1 of 4 stars; one submission).

Submission:

Mayo Clinic Laboratories, Mayo Clinic
Classification: Likely pathogenic. Last evaluated: 2022-11-03. Review status: criteria provided, single submitter. Criteria: ACMG Guidelines, 2015. Collection method: clinical testing. Allele origin: germline. Observed: 1 variant allele.
Comment: PM2_supporting, PVS1